The following is an entry in ClinVar:

ClinVar aggregate classification (germline): Benign/Likely benign. Review status: criteria provided, multiple submitters, no conflicts (2 of 4 stars). 3 submissions from 3 submitters: Benign (1); Likely benign (2). Last evaluated 2026-06-05.

Conditions:
Hereditary cancer-predisposing syndrome. Also called: Tumor predisposition; Hereditary Cancer Syndrome; Hereditary neoplastic syndrome; Neoplastic Syndromes, Hereditary. Identifiers: Orphanet 140162, MedGen C0027672, MeSH D009386, MONDO:0015356.
Pheochromocytoma. Also called: MAX-Related Hereditary Paraganglioma-Pheochromocytoma Syndrome. Identifiers: Orphanet 29072, MedGen C0031511, MONDO:0008233, OMIM 171300, HP:0002666.
Hereditary pheochromocytoma and paraganglioma. Also called: Hereditary paragangliomas and pheochromocytomas; Hereditary pheochromocytoma-paraganglioma; Hereditary Paraganglioma-Pheochromocytoma Syndromes. Identifiers: Orphanet 29072, MedGen C4274332, MONDO:0017366.

Allele frequency attached by ClinVar (database versions not stated): gnomAD below 0.00001 and 0.00003; gnomAD exomes 0.00003 and 0.00008; ExAC 0.00014.
gnomAD v4.1: 52 of 1,592,928 alleles (0.0033%); highest among the groups gnomAD compares: South Asian, 0.057%; 1 homozygote.

Submissions (3):

Myriad Genetics, Inc.
Classification: Likely benign for Pheochromocytoma. Last evaluated: 2026-06-05. Review status: criteria provided, single submitter. Criteria: Myriad Autosomal Dominant, Autosomal Recessive and X-Linked Classification Criteria (2023). Collection method: clinical testing. Allele origin: unknown.
Comment: This variant is considered likely benign. This variant is intronic and is not expected to impact mRNA splicing.

Labcorp Genetics (formerly Invitae), Labcorp
Classification: Likely benign for Hereditary pheochromocytoma and paraganglioma. Last evaluated: 2026-01-20. Review status: criteria provided, single submitter. Criteria: Invitae Variant Classification Sherloc (09022015). Collection method: clinical testing. Allele origin: germline.

Ambry Genetics
Classification: Benign for Hereditary cancer-predisposing syndrome. Last evaluated: 2023-08-01. Review status: criteria provided, single submitter. Criteria: Ambry Variant Classification Scheme 2023. Collection method: clinical testing. Allele origin: germline.

NM_002382.5(MAX):c.37-4C>T

Gene: MAX (MYC associated transcriptional regulator X; minus strand). Cytogenetic location: 14q23.3.
Variant type: single nucleotide variant.
Coding change: c.37-4C>T on transcript NM_002382.5 (MANE Select); 4 bases into the intron before coding-DNA position 37, C replaced by T.
Molecular consequence: intron variant.
Genome position (GRCh38, 1-based): chr14:65,101,576, G>A on the plus strand (C>T on the coding strand, the complement: MAX is on the minus strand). VCF-style: chr14-65101576-G-A. GRCh37 (hg19) VCF-style: chr14-65568294-G-A.
Other names: c.37-4C>T (NM_002382.3, NM_197957.4, NM_145113.3 and 1 more transcripts); c.36+728C>T (NM_001271069.2, NM_145112.3, NM_001271068.2); c.-238-4C>T (NM_001320415.2).
Identifiers: ClinVar variation 762701 (VCV000762701.13), dbSNP rs747811786, ClinGen allele CA7232999.